The following is an entry in ClinVar:

ClinVar aggregate classification (germline): Uncertain significance (1 of 4 stars; one submission).

gnomAD v4.1: 1 of 1,594,148 alleles (0.000063%); highest among the groups gnomAD compares: East Asian, 0.0022%; no homozygotes.

Submission:

Labcorp Genetics (formerly Invitae), Labcorp
Classification: Uncertain significance. Last evaluated: 2023-08-11. Review status: criteria provided, single submitter. Criteria: Invitae Variant Classification Sherloc (09022015). Collection method: clinical testing. Allele origin: germline.
Comment: In summary, the available evidence is currently insufficient to determine the role of this variant in disease. Therefore, it has been classified as a Variant of Uncertain Significance. Advanced modeling of protein sequence and biophysical properties (such as structural, functional, and spatial information, amino acid conservation, physicochemical variation, residue mobility, and thermodynamic stability) performed at Invitae indicates that this missense variant is not expected to disrupt GCKR protein function. This variant has not been reported in the literature in individuals affected with GCKR-related conditions. This variant is not present in population databases (gnomAD no frequency). This sequence change replaces glycine, which is neutral and non-polar, with cysteine, which is neutral and slightly polar, at codon 253 of the GCKR protein (p.Gly253Cys).

NM_001486.4(GCKR):c.757G>T (p.Gly253Cys)

Gene: GCKR (glucokinase regulator; plus strand). Cytogenetic location: 2p23.3.
Variant type: single nucleotide variant.
Coding change: c.757G>T on transcript NM_001486.4 (MANE Select); coding-DNA position 757, G replaced by T.
Protein change: p.Gly253Cys; replaces glycine 253 with cysteine.
Molecular consequence: missense variant.
Genome position (GRCh38, 1-based): chr2:27,505,724, G>T. VCF-style: chr2-27505724-G-T. GRCh37 (hg19) VCF-style: chr2-27728591-G-T.
Other names: short protein forms G253C.
Identifiers: ClinVar variation 2833037 (VCV002833037.3), dbSNP rs760501504, ClinGen allele CA346415917.
Genomic context (GRCh38, chr2:27,505,724, plus strand): 5'-TCTACGGGGTCTTCATCCTCTCCCAATTCCTCTTGGGTGTCTTCACCTCTTCAGCCCGAG[G>T]GTCTCAGCGGCTCCTCCCGGATGAAAGGTGGAAGTGCCACCAAGATTCTGCTGGAAACCC-3'
Protein context (NP_001477.2, residues 243-263): FVLNPAIGPE[Gly253Cys]LSGSSRMKGG